The following is an entry in ClinVar:

ClinVar aggregate classification (germline): Uncertain significance (1 of 4 stars; one submission).

Conditions:
Neuronal ceroid lipofuscinosis. Also called: Neuronal Ceroid Lipofuscinoses. Identifiers: Orphanet 216, Orphanet 79263, MedGen C0027877, MONDO:0016295. Disease mechanism: loss of function.

Allele frequency attached by ClinVar (database versions not stated): gnomAD 0.00001.
gnomAD v4.1: 27 of 1,613,772 alleles (0.0017%); highest among the groups gnomAD compares: Non-Finnish European, 0.0022%; no homozygotes.

Submission:

Labcorp Genetics (formerly Invitae), Labcorp
Classification: Uncertain significance for Neuronal ceroid lipofuscinosis. Last evaluated: 2021-09-01. Review status: criteria provided, single submitter. Criteria: Invitae Variant Classification Sherloc (09022015). Collection method: clinical testing. Allele origin: germline.
Comment: This sequence change replaces valine with leucine at codon 43 of the CTSD protein (p.Val43Leu). The valine residue is moderately conserved and there is a small physicochemical difference between valine and leucine. This variant is not present in population databases (ExAC no frequency). This variant has not been reported in the literature in individuals affected with CTSD-related conditions. Algorithms developed to predict the effect of missense changes on protein structure and function (SIFT, PolyPhen-2, Align-GVGD) all suggest that this variant is likely to be tolerated. In summary, the available evidence is currently insufficient to determine the role of this variant in disease. Therefore, it has been classified as a Variant of Uncertain Significance.

NM_001909.5(CTSD):c.127G>C (p.Val43Leu)

Genes: CTSD (cathepsin D; minus strand), PRADX (PRC2 and DDX5 associated lncRNA; plus strand). Cytogenetic location: 11p15.5.
Variant type: single nucleotide variant.
Coding change: c.127G>C on transcript NM_001909.5 (MANE Select); coding-DNA position 127, G replaced by C.
Protein change: p.Val43Leu; replaces valine 43 with leucine.
Molecular consequence: missense variant.
Genome position (GRCh38, 1-based): chr11:1,761,410, C>G on the plus strand (G>C on the coding strand, the complement: CTSD is on the minus strand). VCF-style: chr11-1761410-C-G. GRCh37 (hg19) VCF-style: chr11-1782640-C-G.
Other names: short protein forms V43L.
Identifiers: ClinVar variation 1041020 (VCV001041020.6), dbSNP rs1252146408, ClinGen allele CA379099849.